The following is an entry in ClinVar:

ClinVar aggregate classification (germline): Uncertain significance (1 of 4 stars; one submission).

Conditions:
Arrhythmogenic right ventricular dysplasia 13. Also called: Arrhythmogenic right ventricular dysplasia, familial, 13; ARRHYTHMOGENIC RIGHT VENTRICULAR CARDIOMYOPATHY 13. Identifiers: MedGen C3810138, MONDO:0000908, OMIM 615616.

Submission:

Labcorp Genetics (formerly Invitae), Labcorp
Classification: Uncertain significance for Arrhythmogenic right ventricular dysplasia 13. Last evaluated: 2024-10-10. Review status: criteria provided, single submitter. Criteria: Invitae Variant Classification Sherloc (09022015). Collection method: clinical testing. Allele origin: germline.
Comment: This sequence change replaces asparagine, which is neutral and polar, with lysine, which is basic and polar, at codon 699 of the CTNNA3 protein (p.Asn699Lys). This variant is not present in population databases (gnomAD no frequency). This variant has not been reported in the literature in individuals affected with CTNNA3-related conditions. Invitae Evidence Modeling of protein sequence and biophysical properties (such as structural, functional, and spatial information, amino acid conservation, physicochemical variation, residue mobility, and thermodynamic stability) indicates that this missense variant is expected to disrupt CTNNA3 protein function with a positive predictive value of 80%. In summary, the available evidence is currently insufficient to determine the role of this variant in disease. Therefore, it has been classified as a Variant of Uncertain Significance.

NM_013266.4(CTNNA3):c.2097C>A (p.Asn699Lys)

Gene: CTNNA3 (catenin alpha 3; minus strand). Cytogenetic location: 10q21.3.
Variant type: single nucleotide variant.
Coding change: c.2097C>A on transcript NM_013266.4 (MANE Select); coding-DNA position 2097, C replaced by A.
Protein change: p.Asn699Lys; replaces asparagine 699 with lysine.
Molecular consequence: missense variant.
Genome position (GRCh38, 1-based): chr10:66,069,370, G>T on the plus strand (C>A on the coding strand, the complement: CTNNA3 is on the minus strand). VCF-style: chr10-66069370-G-T. GRCh37 (hg19) VCF-style: chr10-67829128-G-T.
Other names: c.2097C>A, p.Asn699Lys (NM_001127384.3); short protein forms N699K.
Identifiers: ClinVar variation 3625817 (VCV003625817.2).
Genomic context (GRCh38, chr10:66,069,370, plus strand): 5'-AGTGAAGTCTGTCATCTCCATCATGATCATACACATGTTCTTGGCCAGAACAATGATGTC[G>T]TTGCTTGTATCATCCCATATCTCAATCTCAGCATCCAGCTTACTCTTTACTTTCTTGAAA-3'
Protein context (NP_037398.2, residues 689-709): AEIEIWDDTS[Asn699Lys]DIIVLAKNMC